The following is an entry in ClinVar:

NM_000055.4(BCHE):c.*349G>A

Gene: BCHE (butyrylcholinesterase; minus strand). Cytogenetic location: 3q26.1.
Variant type: single nucleotide variant.
Coding change: c.*349G>A on transcript NM_000055.4 (MANE Select); 349 bases downstream of the stop codon, G replaced by A.
Molecular consequence: 3 prime UTR variant. On other transcripts: non-coding transcript variant (2).
Genome position (GRCh38, 1-based): chr3:165,773,033, C>T on the plus strand (G>A on the coding strand, the complement: BCHE is on the minus strand). VCF-style: chr3-165773033-C-T. GRCh37 (hg19) VCF-style: chr3-165490821-C-T.
Identifiers: ClinVar variation 902451 (VCV000902451.5), dbSNP rs55849903, ClinGen allele CA87396397.

ClinVar aggregate classification (germline): Likely benign. Review status: criteria provided, multiple submitters, no conflicts (2 of 4 stars). 2 submissions from 2 submitters: Likely benign (2). Last evaluated 2018-01-12.

Conditions:
Deficiency of butyrylcholinesterase (BCHED). Also called: Deficiency of butyrylcholine esterase; Acholinesterasemia; Butyrylcholinesterase deficiency; BCHE, silent 1. Identifiers: Orphanet 132, MedGen C1283400, MONDO:0015270, OMIM 617936.

Allele frequency attached by ClinVar (database versions not stated): gnomAD exomes 0.01056; 1000 Genomes Project 30x 0.02186; gnomAD 0.02281 and 0.02368; 1000 Genomes Project 0.02296; TOPMed 0.02547.
gnomAD v4.1: 3,761 of 181,914 alleles (2.1%); highest among the groups gnomAD compares: African/African-American, 5.5%; 80 homozygotes.

Submissions (2):

Illumina Laboratory Services, Illumina
Classification: Likely benign for Deficiency of butyrylcholinesterase. Last evaluated: 2018-01-12. Review status: criteria provided, single submitter. Criteria: ICSL Variant Classification Criteria 13 December 2019. Collection method: clinical testing. Allele origin: germline.
Comment: This variant was observed in the ICSL laboratory as part of a predisposition screen in an ostensibly healthy population. It had not been previously curated by ICSL or reported in the Human Gene Mutation Database (HGMD: prior to June 1st, 2018), and was therefore a candidate for classification through an automated scoring system. Utilizing variant allele frequency, disease prevalence and penetrance estimates, and inheritance mode, an automated score was calculated to assess if this variant is too frequent to cause the disease. Based on the score and internal cut-off values, a variant classified as likely benign is not then subjected to further curation. The score for this variant resulted in a classification of likely benign for this disease.

Breakthrough Genomics
Classification: Likely benign. Review status: criteria provided, single submitter. Criteria: ACMG Guidelines, 2015. Collection method: not provided. Allele origin: germline. Inheritance: Autosomal recessive inheritance. Affected: yes.